The following is an entry in ClinVar:

Conditions:
Long QT syndrome 5 (LQT5). Identifiers: Orphanet 101016, Orphanet 768, MedGen C1867904, MONDO:0013372, OMIM 613695.

Submission:

Roden Lab, Vanderbilt University Medical Center
No classification provided (evidence only). Condition: Long QT syndrome 5. Review status: no classification provided. Collection method: in vitro. Allele origin: not applicable. Functional consequence: Effect on ion channel function.
ClinVar note: "not provided" was previously submitted as the classification for the variant. However, the classification appeared to be based only on an observation of functional data so it was converted to no classification on 2025-07-30.

NM_000219.6(KCNE1):c.192C>G (p.Ser64Arg)

Gene: KCNE1 (potassium voltage-gated channel subfamily E regulatory subunit 1; minus strand). Cytogenetic location: 21q22.12.
Variant type: single nucleotide variant.
Coding change: c.192C>G on transcript NM_000219.6 (MANE Select); coding-DNA position 192, C replaced by G.
Protein change: p.Ser64Arg; replaces serine 64 with arginine.
Molecular consequence: missense variant.
Genome position (GRCh38, 1-based): chr21:34,449,443, G>C on the plus strand (C>G on the coding strand, the complement: KCNE1 is on the minus strand). VCF-style: chr21-34449443-G-C. GRCh37 (hg19) VCF-style: chr21-35821741-G-C.
Other names: c.192C>G, p.Ser64Arg (NM_001127668.4, NM_001127669.4, NM_001127670.4 and 4 more transcripts); short protein forms S64R.
Identifiers: ClinVar variation 3374292 (VCV003374292.2).